The following is an entry in ClinVar:

ClinVar aggregate classification (germline): Likely benign (1 of 4 stars; one submission).

Allele frequency attached by ClinVar (database versions not stated): gnomAD exomes below 0.00001; ExAC 0.00001.
gnomAD v4.1: 12 of 1,614,080 alleles (0.00074%); highest among the groups gnomAD compares: Middle Eastern, 0.033%; no homozygotes.

Submission:

GeneDx
Classification: Likely benign. Last evaluated: 2017-12-15. Review status: criteria provided, single submitter. Criteria: GeneDx Variant Classification (06012015). Collection method: clinical testing. Allele origin: germline. Affected: yes.
Comment: This variant is considered likely benign or benign based on one or more of the following criteria: it is a conservative change, it occurs at a poorly conserved position in the protein, it is predicted to be benign by multiple in silico algorithms, and/or has population frequency not consistent with disease.

NM_005216.5(DDOST):c.943-7A>C

Gene: DDOST (dolichyl-diphosphooligosaccharide--protein glycosyltransferase non-catalytic subunit; minus strand). Cytogenetic location: 1p36.12.
Variant type: single nucleotide variant.
Coding change: c.943-7A>C on transcript NM_005216.5 (MANE Select); 7 bases into the intron before coding-DNA position 943, A replaced by C.
Molecular consequence: intron variant.
Genome position (GRCh38, 1-based): chr1:20,652,978, T>G on the plus strand (A>C on the coding strand, the complement: DDOST is on the minus strand). VCF-style: chr1-20652978-T-G. GRCh37 (hg19) VCF-style: chr1-20979471-T-G.
Identifiers: ClinVar variation 513729 (VCV000513729.1), dbSNP rs756870725, ClinGen allele CA661064.